The following is an entry in ClinVar:

ClinVar aggregate classification (germline): Likely benign. Review status: criteria provided, multiple submitters, no conflicts (2 of 4 stars). 4 submissions from 3 submitters: Likely benign (4). Last evaluated 2025-04-21.

Conditions:
Developmental and epileptic encephalopathy, 14 (DEE14). Also called: Early infantile epileptic encephalopathy 14. Identifiers: Orphanet 293181, MedGen C3554195, MONDO:0013989, OMIM 614959.
Autosomal dominant nocturnal frontal lobe epilepsy 5. Also called: KCNT1-Related Epilepsy; CILIARY DYSKINESIA, PRIMARY, 28, WITHOUT SITUS INVERSUS; CILIARY DYSKINESIA, PRIMARY, 28, WITH SITUS INVERSUS; Epilepsy, nocturnal frontal lobe, 5. Identifiers: Orphanet 98784, MedGen C3554306, MONDO:0014002, OMIM 615005.

Allele frequency attached by ClinVar (database versions not stated): gnomAD below 0.00001 and 0.00001; gnomAD exomes below 0.00001 and 0.00001; ExAC 0.00001; TOPMed 0.00001.
gnomAD v4.1: 7 of 1,596,126 alleles (0.00044%); highest among the groups gnomAD compares: Admixed American, 0.0051%; no homozygotes.

Submissions (4):

Labcorp Genetics (formerly Invitae), Labcorp
Classification: Likely benign for Autosomal dominant nocturnal frontal lobe epilepsy 5; Developmental and epileptic encephalopathy, 14. Last evaluated: 2025-04-21. Review status: criteria provided, single submitter. Criteria: Invitae Variant Classification Sherloc (09022015). Collection method: clinical testing. Allele origin: germline.

Genome-Nilou Lab
Classification: Likely benign for Developmental and epileptic encephalopathy, 14. Last evaluated: 2022-03-15. Review status: criteria provided, single submitter. Criteria: ACMG Guidelines, 2015. Collection method: clinical testing. Allele origin: germline. Affected: no.

Genome-Nilou Lab
Classification: Likely benign for Autosomal dominant nocturnal frontal lobe epilepsy 5. Last evaluated: 2022-03-15. Review status: criteria provided, single submitter. Criteria: ACMG Guidelines, 2015. Collection method: clinical testing. Allele origin: germline. Affected: no.

GeneDx
Classification: Likely benign. Last evaluated: 2016-07-26. Review status: criteria provided, single submitter. Criteria: GeneDx Variant Classification (06012015). Collection method: clinical testing. Allele origin: germline. Affected: yes.
Comment: This variant is considered likely benign or benign based on one or more of the following criteria: it is a conservative change, it occurs at a poorly conserved position in the protein, it is predicted to be benign by multiple in silico algorithms, and/or has population frequency not consistent with disease.

NM_020822.3(KCNT1):c.855-7G>A

Gene: KCNT1 (potassium sodium-activated channel subfamily T member 1; plus strand). Cytogenetic location: 9q34.3.
Variant type: single nucleotide variant.
Coding change: c.855-7G>A on transcript NM_020822.3 (MANE Select); 7 bases into the intron before coding-DNA position 855, G replaced by A.
Molecular consequence: intron variant. On other transcripts: missense variant (1).
Genome position (GRCh38, 1-based): chr9:135,759,672, G>A. VCF-style: chr9-135759672-G-A. GRCh37 (hg19) VCF-style: chr9-138651518-G-A.
Other names: c.713G>A, p.Gly238Asp (NM_001272003.2); short protein forms G238D.
Identifiers: ClinVar variation 388051 (VCV000388051.11), dbSNP rs768046676, ClinGen allele CA5326698.